The following is an entry in ClinVar:

NM_001330700.2(TOP2B):c.2077C>G (p.Arg693Gly)

Gene: TOP2B (DNA topoisomerase II beta; minus strand). Cytogenetic location: 3p24.2.
Variant type: single nucleotide variant.
Coding change: c.2077C>G on transcript NM_001330700.2 (MANE Select); coding-DNA position 2077, C replaced by G.
Protein change: p.Arg693Gly; replaces arginine 693 with glycine.
Molecular consequence: missense variant.
Genome position (GRCh38, 1-based): chr3:25,626,804, G>C on the plus strand (C>G on the coding strand, the complement: TOP2B is on the minus strand). VCF-style: chr3-25626804-G-C. GRCh37 (hg19) VCF-style: chr3-25668295-G-C.
Other names: c.2062C>G, p.Arg688Gly (NM_001068.3); short protein forms R688G, R693G.
Identifiers: ClinVar variation 1392748 (VCV001392748.6), dbSNP rs760886593, ClinGen allele CA351905670.

ClinVar aggregate classification (germline): Uncertain significance (1 of 4 stars; one submission).

Submission:

Labcorp Genetics (formerly Invitae), Labcorp
Classification: Uncertain significance. Last evaluated: 2022-07-12. Review status: criteria provided, single submitter. Criteria: Invitae Variant Classification Sherloc (09022015). Collection method: clinical testing. Allele origin: germline.
Comment: In summary, the available evidence is currently insufficient to determine the role of this variant in disease. Therefore, it has been classified as a Variant of Uncertain Significance. Algorithms developed to predict the effect of missense changes on protein structure and function (SIFT, PolyPhen-2, Align-GVGD) all suggest that this variant is likely to be tolerated. ClinVar contains an entry for this variant (Variation ID: 1392748). This variant has not been reported in the literature in individuals affected with TOP2B-related conditions. This variant is not present in population databases (gnomAD no frequency). This sequence change replaces arginine, which is basic and polar, with glycine, which is neutral and non-polar, at codon 688 of the TOP2B protein (p.Arg688Gly).